The following is an entry in ClinVar:

NM_001042492.3(NF1):c.6304dup (p.Tyr2102fs)

Gene: NF1 (neurofibromin 1; plus strand). Cytogenetic location: 17q11.2.
Variant type: Duplication.
Coding change: c.6304dup on transcript NM_001042492.3 (MANE Select); coding-DNA position 6304, one base duplicated (T; older notation c.6304dupT).
Protein change: p.Tyr2102fs; shifts the reading frame from tyrosine 2102.
Molecular consequence: frameshift variant.
Genome position (GRCh38, 1-based): chr17:31,336,791, T duplicated. VCF-style (leftmost placement, unchanged base first): chr17-31336790-C-CT. GRCh37 (hg19) VCF-style: chr17-29663808-C-CT.
Other names: c.6241dupT (NM_000267.3); c.6241dup, p.Tyr2081Leufs (NM_000267.4); short protein forms Y2102fs, Y2081fs.
Identifiers: ClinVar variation 547675 (VCV000547675.3), dbSNP rs1555534712, ClinGen allele CA658824041.

ClinVar aggregate classification (germline): Pathogenic/Likely pathogenic. Review status: criteria provided, multiple submitters, no conflicts (2 of 4 stars). 2 submissions from 2 submitters: Pathogenic (1); Likely pathogenic (1). Last evaluated 2024-08-29.

Conditions:
Neurofibromatosis, type 1 (NF1). Also called: NEUROFIBROMATOSIS, TYPE I, SOMATIC; VON RECKLINGHAUSEN DISEASE; Peripheral type neurofibromatosis; Neurofibromatosis, type I. Identifiers: Orphanet 636, MedGen C0027831, MONDO:0018975, OMIM 162200. Disease mechanism: loss of function.

Submissions (2):

Labcorp Genetics (formerly Invitae), Labcorp
Classification: Pathogenic for Neurofibromatosis, type 1. Last evaluated: 2024-08-29. Review status: criteria provided, single submitter. Criteria: Invitae Variant Classification Sherloc (09022015). Collection method: clinical testing. Allele origin: germline.
Comment: This sequence change creates a premature translational stop signal (p.Tyr2081Leufs*18) in the NF1 gene. It is expected to result in an absent or disrupted protein product. Loss-of-function variants in NF1 are known to be pathogenic (PMID: 10712197, 23913538). This variant is not present in population databases (gnomAD no frequency). This variant has not been reported in the literature in individuals affected with NF1-related conditions. ClinVar contains an entry for this variant (Variation ID: 547675). For these reasons, this variant has been classified as Pathogenic.

Center for Human Genetics, Inc
Classification: Likely pathogenic for Neurofibromatosis, type 1. Last evaluated: 2016-11-01. Review status: criteria provided, single submitter. Criteria: ACMG Guidelines, 2015. Collection method: clinical testing. Allele origin: germline. Affected: yes.

Literature cited by the submitters: PubMed 10712197 (cited by Labcorp Genetics (formerly Invitae), Labcorp); PubMed 23913538 (cited by Labcorp Genetics (formerly Invitae), Labcorp).